The following is an entry in ClinVar:

NM_001909.5(CTSD):c.952G>A (p.Val318Met)

Gene: CTSD (cathepsin D; minus strand). Cytogenetic location: 11p15.5.
Variant type: single nucleotide variant.
Coding change: c.952G>A on transcript NM_001909.5 (MANE Select); coding-DNA position 952, G replaced by A.
Protein change: p.Val318Met; replaces valine 318 with methionine.
Molecular consequence: missense variant.
Genome position (GRCh38, 1-based): chr11:1,754,014, C>T on the plus strand (G>A on the coding strand, the complement: CTSD is on the minus strand). VCF-style: chr11-1754014-C-T. GRCh37 (hg19) VCF-style: chr11-1775244-C-T.
Other names: c.952G>A (NM_001909.4); short protein forms V318M.
Identifiers: ClinVar variation 2071655 (VCV002071655.2), dbSNP rs776324764, ClinGen allele CA5813992.

ClinVar aggregate classification (germline): Uncertain significance. Review status: criteria provided, multiple submitters, no conflicts (2 of 4 stars). 2 submissions from 2 submitters: Uncertain significance (2). Last evaluated 2025-12-04.

Conditions:
Neuronal ceroid lipofuscinosis. Also called: Neuronal Ceroid Lipofuscinoses. Identifiers: Orphanet 216, Orphanet 79263, MedGen C0027877, MONDO:0016295. Disease mechanism: loss of function.
Inborn genetic diseases. Identifiers: MedGen C0950123, MeSH D030342.

Allele frequency attached by ClinVar (database versions not stated): gnomAD 0.00001; TOPMed 0.00001; ExAC 0.00003.
gnomAD v4.1: 20 of 1,607,276 alleles (0.0012%); highest among the groups gnomAD compares: Admixed American, 0.0084%; no homozygotes.

Submissions (2):

Ambry Genetics
Classification: Uncertain significance for Inborn genetic diseases. Last evaluated: 2025-12-04. Review status: criteria provided, single submitter. Criteria: Ambry Variant Classification Scheme 2023. Collection method: clinical testing. Allele origin: germline.

Labcorp Genetics (formerly Invitae), Labcorp
Classification: Uncertain significance for Neuronal ceroid lipofuscinosis. Last evaluated: 2022-03-26. Review status: criteria provided, single submitter. Criteria: Invitae Variant Classification Sherloc (09022015). Collection method: clinical testing. Allele origin: germline.
Comment: This sequence change replaces valine, which is neutral and non-polar, with methionine, which is neutral and non-polar, at codon 318 of the CTSD protein (p.Val318Met). This variant is present in population databases (rs776324764, gnomAD 0.007%). This variant has not been reported in the literature in individuals affected with CTSD-related conditions. Algorithms developed to predict the effect of missense changes on protein structure and function (SIFT, PolyPhen-2, Align-GVGD) all suggest that this variant is likely to be tolerated. In summary, the available evidence is currently insufficient to determine the role of this variant in disease. Therefore, it has been classified as a Variant of Uncertain Significance.